The following is an entry in ClinVar:

NM_005236.3(ERCC4):c.211T>C (p.Tyr71His)

Gene: ERCC4 (ERCC excision repair 4, endonuclease catalytic subunit; plus strand). Cytogenetic location: 16p13.12.
Variant type: single nucleotide variant.
Coding change: c.211T>C on transcript NM_005236.3 (MANE Select); coding-DNA position 211, T replaced by C.
Protein change: p.Tyr71His; replaces tyrosine 71 with histidine.
Molecular consequence: missense variant.
Genome position (GRCh38, 1-based): chr16:13,922,034, T>C. VCF-style: chr16-13922034-T-C. GRCh37 (hg19) VCF-style: chr16-14015891-T-C.
Other names: short protein forms Y71H.
Identifiers: ClinVar variation 134145 (VCV000134145.20), dbSNP rs145315496, ClinGen allele CA158897.

ClinVar aggregate classification (germline): Conflicting classifications of pathogenicity. Review status: criteria provided, conflicting classifications (1 of 4 stars). 6 submissions from 6 submitters: Uncertain significance (4); Likely benign (1). 1 of the submissions does not count toward it. Last evaluated 2025-06-05.

Conditions:
Fanconi anemia complementation group Q. Identifiers: Orphanet 84, MedGen C3808988, MONDO:0014108, OMIM 615272.
Xeroderma pigmentosum, group F (XPF). Also called: XERODERMA PIGMENTOSUM VI; XP, GROUP F; XERODERMA PIGMENTOSUM, TYPE F; Xeroderma pigmentosum, type 6; XERODERMA PIGMENTOSUM, COMPLEMENTATION GROUP F; ERCC4-Related Xeroderma Pigmentosum. Identifiers: MedGen C0268140, MONDO:0010215, OMIM 278760.
Cockayne syndrome. Identifiers: Orphanet 191, MedGen C0009207, MONDO:0016006.

Allele frequency attached by ClinVar (database versions not stated): gnomAD exomes 0.00001 and 0.00006; ExAC 0.00009; ESP Exome Variant Server 0.00015; gnomAD 0.00026 and 0.00027; TOPMed 0.00029; 1000 Genomes Project 30x 0.00031; 1000 Genomes Project 0.00040.
gnomAD v4.1: 59 of 1,611,996 alleles (0.0037%); highest among the groups gnomAD compares: African/African-American, 0.075%; no homozygotes.

Submissions (6):

Labcorp Genetics (formerly Invitae), Labcorp
Classification: Likely benign for Fanconi anemia complementation group Q; Xeroderma pigmentosum, group F; Cockayne syndrome. Last evaluated: 2025-06-05. Review status: criteria provided, single submitter. Criteria: Invitae Variant Classification Sherloc (09022015). Collection method: clinical testing. Allele origin: germline.

Blueprint Genetics
Classification: Uncertain significance. Last evaluated: 2021-11-04. Review status: criteria provided, single submitter. Criteria: ACMG Guidelines, 2015. Collection method: clinical testing. Allele origin: germline.

St. Jude Molecular Pathology, St. Jude Children's Research Hospital
Classification: Uncertain significance for Fanconi anemia complementation group Q; Xeroderma pigmentosum, group F. Last evaluated: 2021-06-24. Review status: criteria provided, single submitter. Criteria: St. Jude Assertion Criteria 2020. Collection method: clinical testing. Allele origin: germline.
Comment: The ERCC4 c.211T>C (p.Tyr71His) missense change has a maximum subpopulation frequency of 0.084% in gnomAD v2.1.1. In silico tools are not in agreement about the effect of this variant on protein function, but to our knowledge these predictions have not been confirmed by functional assays. This variant has been reported in an individual with a pediatric diffuse intrinsic pontine glioma (PMID: 26580448). To our knowledge, this variant has not been reported in individuals with Fanconi anemia or Xeroderma pigmentosum. In summary, this variant meets criteria to be classified as of uncertain significance based on the ACMG/AMP criteria: no criteria met.

Eurofins Ntd Llc (ga)
Classification: Uncertain significance. Last evaluated: 2017-08-14. Review status: criteria provided, single submitter. Criteria: EGL Classification Definitions 2015. Collection method: clinical testing. Allele origin: germline. Observed: 1 variant allele, 1 heterozygote.

Genetic Services Laboratory, University of Chicago
Classification: Uncertain significance. Last evaluated: 2017-04-18. Review status: criteria provided, single submitter. Criteria: ACMG Guidelines, 2015. Collection method: clinical testing. Allele origin: germline. Affected: no.

ITMI
No classification provided. Condition: AllHighlyPenetrant. Last evaluated: 2013-09-19. Review status: no classification provided. Collection method: reference population. Allele origin: germline. Not counted in ClinVar's aggregate classification.
Comment: Please see associated publication for description of ethnicities

Literature cited by the submitters: PubMed 24728327 (cited by ITMI).